The following is an entry in ClinVar:

NM_004006.3(DMD):c.1207G>T (p.Gly403Ter)

Gene: DMD (dystrophin; minus strand). Cytogenetic location: Xp21.1.
Variant type: single nucleotide variant.
Coding change: c.1207G>T on transcript NM_004006.3 (MANE Select); coding-DNA position 1207, G replaced by T.
Protein change: p.Gly403Ter; replaces glycine 403 with a stop codon.
Molecular consequence: nonsense.
Genome position (GRCh38, 1-based): chrX:32,644,256, C>A on the plus strand (G>T on the coding strand, the complement: DMD is on the minus strand). VCF-style: chrX-32644256-C-A. GRCh37 (hg19) VCF-style: chrX-32662373-C-A.
Other names: c.1183G>T, p.Gly395Ter (NM_000109.4); c.1195G>T, p.Gly399Ter (NM_004009.3); c.838G>T, p.Gly280Ter (NM_004010.3); short protein forms G280*, G395*, G399*, G403*.
Identifiers: ClinVar variation 2737177 (VCV002737177.4), dbSNP rs2146821137, ClinGen allele CA412661270.
Genomic context (GRCh38, chrX:32,644,256, plus strand): 5'-GCTCTTGTACTTCAGTTTCTTCATCTTCTGATAATTTTCCTGTTCCAATCAGCTTACTTC[C>A]CAATTGTAGAATATTACCAACCCGGCCCTGATGGGCTGTCAAATCCATCATGTACCCCTG-3'

ClinVar aggregate classification (germline): Pathogenic. Review status: criteria provided, multiple submitters, no conflicts (2 of 4 stars). 2 submissions from 2 submitters: Pathogenic (2). Last evaluated 2025-07-24.

Conditions:
Duchenne muscular dystrophy (DMD). Also called: MUSCULAR DYSTROPHY, PSEUDOHYPERTROPHIC PROGRESSIVE, DUCHENNE TYPE; Duchenne Muscular Dystrophy (DMD). Identifiers: Orphanet 98896, MedGen C0013264, MONDO:0010679, OMIM 310200.
Neuromuscular disease caused by qualitative or quantitative defects of dystrophin. Also called: Qualitative or quantitative defects of dystrophin. Identifiers: Orphanet 207085, MedGen C5679787, MONDO:0016147.

Submissions (2):

Women's Health and Genetics/Laboratory Corporation of America, LabCorp
Classification: Pathogenic for Neuromuscular disease caused by qualitative or quantitative defects of dystrophin. Last evaluated: 2025-07-24. Review status: criteria provided, single submitter. Criteria: LabCorp Variant Classification Summary - May 2015. Collection method: clinical testing. Allele origin: germline.
Comment: Variant summary: DMD c.1207G>T (p.Gly403X) results in a premature termination codon, predicted to cause a truncation of the encoded protein or absence of the protein due to nonsense mediated decay, which are commonly known mechanisms for disease. The variant was absent in 183170 control chromosomes (gnomAD). c.1207G>T has been observed in individuals affected with Duchenne muscular dystrophy (Mah_2011, Liu_2022). These data indicate that the variant may be associated with disease. To our knowledge, no experimental evidence demonstrating an impact on protein function has been reported. The following publications have been ascertained in the context of this evaluation (PMID: 36440017, 21515508). ClinVar contains an entry for this variant (Variation ID: 2737177). Based on the evidence outlined above, the variant was classified as pathogenic.

Labcorp Genetics (formerly Invitae), Labcorp
Classification: Pathogenic for Duchenne muscular dystrophy. Last evaluated: 2022-11-16. Review status: criteria provided, single submitter. Criteria: Invitae Variant Classification Sherloc (09022015). Collection method: clinical testing. Allele origin: germline.
Comment: For these reasons, this variant has been classified as Pathogenic. ClinVar contains an entry for this variant (Variation ID: 1322496). This premature translational stop signal has been observed in individual(s) with Duchenne muscular dystrophy (PMID: 21515508). This variant is not present in population databases (gnomAD no frequency). This sequence change creates a premature translational stop signal (p.Gly403*) in the DMD gene. It is expected to result in an absent or disrupted protein product. Loss-of-function variants in DMD are known to be pathogenic (PMID: 16770791, 25007885).

Literature cited by the submitters: PubMed 21515508 (cited by Women's Health and Genetics/Laboratory Corporation of America, LabCorp and Labcorp Genetics (formerly Invitae), Labcorp); PubMed 36440017 (cited by Women's Health and Genetics/Laboratory Corporation of America, LabCorp); PubMed 16770791 (cited by Labcorp Genetics (formerly Invitae), Labcorp); PubMed 25007885 (cited by Labcorp Genetics (formerly Invitae), Labcorp).